The following is an entry in ClinVar:

NM_013275.6(ANKRD11):c.433G>A (p.Val145Met)

Gene: ANKRD11 (ankyrin repeat domain 11; minus strand). Cytogenetic location: 16q24.3.
Variant type: single nucleotide variant.
Coding change: c.433G>A on transcript NM_013275.6 (MANE Select); coding-DNA position 433, G replaced by A.
Protein change: p.Val145Met; replaces valine 145 with methionine.
Molecular consequence: missense variant. On other transcripts: non-coding transcript variant (1).
Genome position (GRCh38, 1-based): chr16:89,290,793, C>T on the plus strand (G>A on the coding strand, the complement: ANKRD11 is on the minus strand). VCF-style: chr16-89290793-C-T. GRCh37 (hg19) VCF-style: chr16-89357201-C-T.
Other names: c.433G>A, p.Val145Met (NM_001256182.2, NM_001256183.2); short protein forms V145M.
Identifiers: ClinVar variation 4809637 (VCV004809637.2).
Genomic context (GRCh38, chr16:89,290,793, plus strand): 5'-TTCTCTTGTTCACTTTATCTTTGGTTTTTGAGGCAGAGTTGGGCGTTCCCTTCTGACACA[C>T]TGTAGACTGGGAGGGGTGCTTTGGTGTTGTGTCCACTGCAGGCCAAGGAGGGGACAGATG-3'
Protein context (NP_037407.4, residues 135-155): TTPKHPSQST[Val145Met]CQKGTPNSAS

ClinVar aggregate classification (germline): Uncertain significance. Review status: criteria provided, multiple submitters, no conflicts (2 of 4 stars). 2 submissions from 2 submitters: Uncertain significance (2). Last evaluated 2025-05-22.

Conditions:
KBG syndrome (KBGS). Also called: ANKRD11-Related KBG Syndrome. Identifiers: Orphanet 2332, MedGen C0220687, MONDO:0007846, OMIM 148050.

gnomAD v4.1: 4 of 1,614,054 alleles (0.00025%); highest among the groups gnomAD compares: Non-Finnish European, 0.00034%; no homozygotes.

Submissions (2):

Labcorp Genetics (formerly Invitae), Labcorp
Classification: Uncertain significance for KBG syndrome. Last evaluated: 2025-05-22. Review status: criteria provided, single submitter. Criteria: Invitae Variant Classification Sherloc (09022015). Collection method: clinical testing. Allele origin: germline.
Comment: This sequence change replaces valine, which is neutral and non-polar, with methionine, which is neutral and non-polar, at codon 145 of the ANKRD11 protein (p.Val145Met). This variant is not present in population databases (gnomAD no frequency). This variant has not been reported in the literature in individuals affected with ANKRD11-related conditions. Invitae Evidence Modeling of protein sequence and biophysical properties (such as structural, functional, and spatial information, amino acid conservation, physicochemical variation, residue mobility, and thermodynamic stability) indicates that this missense variant is not expected to disrupt ANKRD11 protein function with a negative predictive value of 95%. In summary, the available evidence is currently insufficient to determine the role of this variant in disease. Therefore, it has been classified as a Variant of Uncertain Significance.

Blueprint Genetics
Classification: Uncertain significance. Last evaluated: 2022-02-04. Review status: criteria provided, single submitter. Criteria: ACMG Guidelines, 2015. Collection method: clinical testing. Allele origin: germline.